The following is an entry in ClinVar:

NM_001368397.1(FRMPD4):c.1298del (p.Lys433fs)

Gene: FRMPD4 (FERM and PDZ domain containing 4; plus strand). Cytogenetic location: Xp22.2.
Variant type: Deletion.
Coding change: c.1298del on transcript NM_001368397.1 (MANE Select); coding-DNA position 1298, one base deleted (A; older notation c.1298delA).
Protein change: p.Lys433fs; shifts the reading frame from lysine 433.
Molecular consequence: frameshift variant.
Genome position (GRCh38, 1-based): chrX:12,707,479, A deleted; the last of 4 consecutive A bases (chrX:12,707,476-12,707,479); deleting any one gives the same sequence. VCF-style (leftmost placement, unchanged base first): chrX-12707475-GA-G. GRCh37 (hg19) VCF-style: chrX-12725594-GA-G.
Other names: c.1409del, p.Lys470fs (NM_001368395.3, NM_001368398.3); c.1304del, p.Lys435fs (NM_001368396.3); c.1289del, p.Lys430fs (NM_001368399.3); c.1178del, p.Lys393fs (NM_001368400.3); c.1274del, p.Lys425fs (NM_001368401.1, NM_001368402.3); c.1298del, p.Lys433fs (NM_014728.3); short protein forms K393fs, K425fs, K430fs, K433fs, K435fs, K470fs.
Identifiers: ClinVar variation 976150 (VCV000976150.1), dbSNP rs2041898606, ClinGen allele CA1139667226.

ClinVar aggregate classification (germline): Likely pathogenic (1 of 4 stars; one submission).

Conditions:
Intellectual developmental disorder, X-linked 104. Also called: Intellectual disability, X-linked 104. Identifiers: MedGen C4310817, MONDO:0010509, OMIM 300983.

Submission:

Institute of Human Genetics, University of Leipzig Medical Center
Classification: Likely pathogenic for Intellectual developmental disorder, X-linked 104. Last evaluated: 2018-12-06. Review status: criteria provided, single submitter. Criteria: ACMG Guidelines, 2015. Collection method: clinical testing. Allele origin: germline. Affected: yes. Observed: 1 variant allele.
Comment: This variant was identified as hemizygous